The following is an entry in ClinVar:

NM_001035.3(RYR2):c.6280G>A (p.Gly2094Ser)

Gene: RYR2 (ryanodine receptor 2; plus strand). Cytogenetic location: 1q43.
Variant type: single nucleotide variant.
Coding change: c.6280G>A on transcript NM_001035.3 (MANE Select); coding-DNA position 6280, G replaced by A.
Protein change: p.Gly2094Ser; replaces glycine 2094 with serine.
Molecular consequence: missense variant.
Genome position (GRCh38, 1-based): chr1:237,627,920, G>A. VCF-style: chr1-237627920-G-A. GRCh37 (hg19) VCF-style: chr1-237791220-G-A.
Other names: c.6280G>A, p.Gly2094Ser (LRG_402t1); short protein forms G2094S.
Identifiers: ClinVar variation 263982 (VCV000263982.29), dbSNP rs777365708, ClinGen allele CA087085.

ClinVar aggregate classification (germline): Conflicting classifications of pathogenicity. Review status: criteria provided, conflicting classifications (1 of 4 stars). 9 submissions from 8 submitters: Uncertain significance (7); Likely benign (2). Last evaluated 2026-01-21.

Conditions:
Cardiovascular phenotype. Identifiers: MedGen CN230736.
Catecholaminergic polymorphic ventricular tachycardia (CVPT). Also called: Catecholamine-induced polymorphic ventricular tachycardia. Identifiers: Orphanet 3286, MedGen C5574922, MONDO:0017990.
Cardiomyopathy (CMYO). Also called: Cardiomyopathies. Identifiers: Orphanet 167848, MedGen C0878544, MONDO:0004994, HP:0001638. Inheritance: Various modes of inheritance.
Catecholaminergic polymorphic ventricular tachycardia 1. Also called: RYR2-Related Catecholaminergic Polymorphic Ventricular Tachycardia; VENTRICULAR TACHYCARDIA, CATECHOLAMINERGIC POLYMORPHIC, 1, WITH OR WITHOUT ATRIAL DYSFUNCTION AND/OR DILATED CARDIOMYOPATHY; VENTRICULAR TACHYCARDIA, STRESS-INDUCED POLYMORPHIC 1. Identifiers: Orphanet 3286, MedGen C1631597, MONDO:0011484, OMIM 604772.
Arrhythmogenic right ventricular dysplasia 2. Identifiers: MedGen C1832931.

Allele frequency attached by ClinVar (database versions not stated): ExAC 0.00004; gnomAD exomes 0.00007 and 0.00016; gnomAD 0.00011 and 0.00012; TOPMed 0.00011.
gnomAD v4.1: 247 of 1,613,754 alleles (0.015%); highest among the groups gnomAD compares: Non-Finnish European, 0.02%; no homozygotes.

Submissions (9):

Ambry Genetics
Classification: Uncertain significance for Cardiovascular phenotype. Last evaluated: 2026-01-21. Review status: criteria provided, single submitter. Criteria: Ambry Variant Classification Scheme 2023. Collection method: clinical testing. Allele origin: germline.
Comment: The c.6280G>A (p.G2094S) alteration is located in exon 41 (coding exon 41) of the RYR2 gene. This alteration results from a G to A substitution at nucleotide position 6280, causing the glycine (G) at amino acid position 2094 to be replaced by a serine (S). Based on data from gnomAD, the A allele has an overall frequency of 0.008% (21/280548) total alleles studied. The highest observed frequency was 0.023% (8/35350) of Latino alleles. Based on insufficient or conflicting evidence, the clinical significance of this alteration remains unclear.

Labcorp Genetics (formerly Invitae), Labcorp
Classification: Uncertain significance for Catecholaminergic polymorphic ventricular tachycardia 1. Last evaluated: 2026-01-19. Review status: criteria provided, single submitter. Criteria: Invitae Variant Classification Sherloc (09022015). Collection method: clinical testing. Allele origin: germline.
Comment: This sequence change replaces glycine, which is neutral and non-polar, with serine, which is neutral and polar, at codon 2094 of the RYR2 protein (p.Gly2094Ser). This variant is present in population databases (rs777365708, gnomAD 0.02%). This variant has not been reported in the literature in individuals affected with RYR2-related conditions. ClinVar contains an entry for this variant (Variation ID: 263982). Invitae Evidence Modeling of protein sequence and biophysical properties (such as structural, functional, and spatial information, amino acid conservation, physicochemical variation, residue mobility, and thermodynamic stability) has been performed for this missense variant. However, the output from this modeling did not meet the statistical confidence thresholds required to predict the impact of this variant on RYR2 protein function. In summary, the available evidence is currently insufficient to determine the role of this variant in disease. Therefore, it has been classified as a Variant of Uncertain Significance.

Color Diagnostics, LLC DBA Color Health
Classification: Likely benign for Cardiomyopathy. Last evaluated: 2025-11-04. Review status: criteria provided, single submitter. Criteria: ACMG Guidelines, 2015. Collection method: clinical testing. Allele origin: germline.

All of Us Research Program, National Institutes of Health
Classification: Uncertain significance for Catecholaminergic polymorphic ventricular tachycardia. Last evaluated: 2024-09-11. Review status: criteria provided, single submitter. Criteria: ACMG Guidelines, 2015. Collection method: clinical testing. Allele origin: germline. Inheritance: Autosomal dominant inheritance. Observed: 40 variant alleles, 40 heterozygotes.
Comment: This missense variant replaces glycine with serine at codon 2094 of the RYR2 protein. Computational prediction suggests that this variant may have deleterious impact on protein structure and function (internally defined REVEL score threshold >= 0.7, PMID: 27666373). To our knowledge, functional studies have not been reported for this variant. This variant has not been reported in individuals affected with RYR2-related disorders in the literature. This variant has been identified in 21/280548 chromosomes in the general population by the Genome Aggregation Database (gnomAD). The available evidence is insufficient to determine the role of this variant in disease conclusively. Therefore, this variant is classified as a Variant of Uncertain Significance.

This study involves interpretation of variants in research participants for the purpose of population health screening. Participant phenotype was not available at the time of variant classification. Additional details can be found in publication PMID: 35346344, PMCID: PMC8962531

Blueprint Genetics
Classification: Likely benign. Last evaluated: 2023-02-15. Review status: criteria provided, single submitter. Criteria: ACMG Guidelines, 2015. Collection method: clinical testing. Allele origin: germline.

GeneDx
Classification: Uncertain significance. Last evaluated: 2020-05-06. Review status: criteria provided, single submitter. Criteria: GeneDx Variant Classification Process June 2021. Collection method: clinical testing. Allele origin: germline. Affected: yes.
Comment: In silico analysis supports that this missense variant has a deleterious effect on protein structure/function; Has not been previously published as pathogenic or benign to our knowledge

CHEO Genetics Diagnostic Laboratory, Children's Hospital of Eastern Ontario
Classification: Uncertain significance for Cardiomyopathy. Last evaluated: 2018-10-19. Review status: criteria provided, single submitter. Criteria: ACMG Guidelines, 2015. Collection method: clinical testing. Allele origin: germline.

Illumina Laboratory Services, Illumina
Classification: Uncertain significance for Catecholaminergic polymorphic ventricular tachycardia 1. Last evaluated: 2018-01-13. Review status: criteria provided, single submitter. Criteria: ICSL Variant Classification Criteria 13 December 2019. Collection method: clinical testing. Allele origin: germline.

Illumina Laboratory Services, Illumina
Classification: Uncertain significance for Catecholaminergic polymorphic ventricular tachycardia 1. Last evaluated: 2018-01-13. Review status: criteria provided, single submitter. Criteria: ICSL Variant Classification Criteria 13 December 2019. Collection method: clinical testing. Allele origin: germline.